The following is an entry in ClinVar:

ClinVar aggregate classification (germline): Pathogenic (1 of 4 stars; one submission).

Submission:

CeGaT Center for Human Genetics Tuebingen
Classification: Pathogenic. Last evaluated: 2026-02-01. Review status: criteria provided, single submitter. Criteria: CeGaT Center For Human Genetics Tuebingen Variant Classification Criteria Version 2. Collection method: clinical testing. Allele origin: germline. Affected: yes. Observed: 1 variant allele.
Comment: SPG7: PVS1, PM2

NM_003119.4(SPG7):c.334G>T (p.Glu112Ter)

Gene: SPG7 (SPG7 matrix AAA peptidase subunit, paraplegin; plus strand). Cytogenetic location: 16q24.3.
Variant type: single nucleotide variant.
Coding change: c.334G>T on transcript NM_003119.4 (MANE Select); coding-DNA position 334, G replaced by T.
Protein change: p.Glu112Ter; replaces glutamic acid 112 with a stop codon.
Molecular consequence: nonsense.
Genome position (GRCh38, 1-based): chr16:89,512,995, G>T. VCF-style: chr16-89512995-G-T. GRCh37 (hg19) VCF-style: chr16-89579403-G-T.
Other names: c.334G>T, p.Glu112Ter (NM_001363850.1, NM_199367.3); short protein forms E112*.
Identifiers: ClinVar variation 4823308 (VCV004823308.4).